The following is an entry in ClinVar:

ClinVar aggregate classification (germline): Likely benign (1 of 4 stars; one submission).

Conditions:
Cardiomyopathy (CMYO). Also called: Cardiomyopathies. Identifiers: Orphanet 167848, MedGen C0878544, MONDO:0004994, HP:0001638. Inheritance: Various modes of inheritance.

Submission:

All of Us Research Program, National Institutes of Health
Classification: Likely benign for Cardiomyopathy. Last evaluated: 2023-05-16. Review status: criteria provided, single submitter. Criteria: ACMG Guidelines, 2015. Collection method: clinical testing. Allele origin: germline. Inheritance: Autosomal dominant inheritance. Observed: 1 variant allele, 1 heterozygote.
Comment: This study involves interpretation of variants in research participants for the purpose of population health screening. Participant phenotype was not available at the time of variant classification. Additional details can be found in publication PMID: 35346344, PMCID: PMC8962531

NM_001276345.2(TNNT2):c.42-5C>T

Gene: TNNT2 (troponin T2, cardiac type; minus strand). Cytogenetic location: 1q32.1.
Variant type: single nucleotide variant.
Coding change: c.42-5C>T on transcript NM_001276345.2 (MANE Select); 5 bases into the intron before coding-DNA position 42, C replaced by T.
Molecular consequence: intron variant.
Genome position (GRCh38, 1-based): chr1:201,372,160, G>A on the plus strand (C>T on the coding strand, the complement: TNNT2 is on the minus strand). VCF-style: chr1-201372160-G-A. GRCh37 (hg19) VCF-style: chr1-201341288-G-A.
Other names: c.42-5C>T (NM_001406727.1, NM_001406724.1, NM_001001432.3 and 9 more transcripts).
Identifiers: ClinVar variation 3071070 (VCV003071070.1), dbSNP rs1660719825, ClinGen allele CA2825000909.